The following is an entry in ClinVar:

NM_138694.4(PKHD1):c.1822G>T (p.Asp608Tyr)

Gene: PKHD1 (PKHD1 ciliary IPT domain containing fibrocystin/polyductin; minus strand). Cytogenetic location: 6p12.2.
Variant type: single nucleotide variant.
Coding change: c.1822G>T on transcript NM_138694.4 (MANE Select); coding-DNA position 1822, G replaced by T.
Protein change: p.Asp608Tyr; replaces aspartic acid 608 with tyrosine.
Molecular consequence: missense variant.
Genome position (GRCh38, 1-based): chr6:52,055,601, C>A on the plus strand (G>T on the coding strand, the complement: PKHD1 is on the minus strand). VCF-style: chr6-52055601-C-A. GRCh37 (hg19) VCF-style: chr6-51920399-C-A.
Other names: c.1822G>T, p.Asp608Tyr (NM_170724.3); short protein forms D608Y.
Identifiers: ClinVar variation 2632098 (VCV002632098.2), dbSNP rs200419565, ClinGen allele CA364424442.

ClinVar aggregate classification (germline): Uncertain significance (1 of 4 stars; one submission).

Conditions:
PKHD1-related disorder. Also called: PKHD1-related condition.

Allele frequency attached by ClinVar (database versions not stated): TOPMed below 0.00001.
gnomAD v4.1: 60 of 1,612,530 alleles (0.0037%); highest among the groups gnomAD compares: Non-Finnish European, 0.0049%; no homozygotes.

Submission:

PreventionGenetics, part of Exact Sciences
Classification: Uncertain significance for PKHD1-related condition. Last evaluated: 2026-07-08. Review status: criteria provided, single submitter. Criteria: ACMG Guidelines, 2015. Collection method: clinical testing. Allele origin: germline.
Comment: The PKHD1 c.1822G>T variant is predicted to result in the amino acid substitution p.Asp608Tyr. This variant has been reported in the heterozygous state in two family members with autosomal dominant polycystic kidney disease attributed to a pathogenic IFT140 frameshift variant (Senum et al. 2022. PubMed ID: 34890546). This variant is reported in 0.00090% of alleles in individuals of European (Non-Finnish) descent in gnomAD. At this time, the clinical significance of this variant is uncertain due to the absence of conclusive functional and genetic evidence.